The following is an entry in ClinVar:

ClinVar aggregate classification (germline): Uncertain significance (1 of 4 stars; one submission).

Conditions:
Hereditary cancer-predisposing syndrome. Also called: Hereditary Cancer Syndrome; Hereditary neoplastic syndrome; Neoplastic Syndromes, Hereditary; Tumor predisposition. Identifiers: Orphanet 140162, MedGen C0027672, MeSH D009386, MONDO:0015356.

Submission:

Ambry Genetics
Classification: Uncertain significance for Hereditary cancer-predisposing syndrome. Last evaluated: 2025-08-01. Review status: criteria provided, single submitter. Criteria: Ambry Variant Classification Scheme 2023. Collection method: clinical testing. Allele origin: germline.
Comment: The p.N90D variant (also known as c.268A>G), located in coding exon 3 of the EPCAM gene, results from an A to G substitution at nucleotide position 268. The asparagine at codon 90 is replaced by aspartic acid, an amino acid with highly similar properties. This amino acid position is conserved. In addition, this alteration is predicted to be tolerated by in silico analysis. Based on the available evidence, the clinical significance of this variant remains unclear.

NM_002354.3(EPCAM):c.268A>G (p.Asn90Asp)

Gene: EPCAM (epithelial cell adhesion molecule; plus strand). Cytogenetic location: 2p21.
Variant type: single nucleotide variant.
Coding change: c.268A>G on transcript NM_002354.3 (MANE Select); coding-DNA position 268, A replaced by G.
Protein change: p.Asn90Asp; replaces asparagine 90 with aspartic acid.
Molecular consequence: missense variant.
Genome position (GRCh38, 1-based): chr2:47,373,891, A>G. VCF-style: chr2-47373891-A-G. GRCh37 (hg19) VCF-style: chr2-47601030-A-G.
Other names: short protein forms N90D.
Identifiers: ClinVar variation 4249666 (VCV004249666.1).